The following is an entry in ClinVar:

ClinVar aggregate classification (germline): Uncertain significance. Review status: criteria provided, multiple submitters, no conflicts (2 of 4 stars). 2 submissions from 2 submitters: Uncertain significance (2). Last evaluated 2025-08-25.

Conditions:
Inborn genetic diseases. Identifiers: MedGen C0950123, MeSH D030342.

Allele frequency attached by ClinVar (database versions not stated): ExAC 0.00002; gnomAD 0.00003; gnomAD exomes 0.00004; TOPMed 0.00004; 1000 Genomes Project 30x 0.00016; 1000 Genomes Project 0.00020.
gnomAD v4.1: 59 of 1,614,090 alleles (0.0037%); highest among the groups gnomAD compares: Non-Finnish European, 0.0046%; no homozygotes.

Submissions (2):

Ambry Genetics
Classification: Uncertain significance for Inborn genetic diseases. Last evaluated: 2025-08-25. Review status: criteria provided, single submitter. Criteria: Ambry Variant Classification Scheme 2023. Collection method: clinical testing. Allele origin: germline.

Labcorp Genetics (formerly Invitae), Labcorp
Classification: Uncertain significance. Last evaluated: 2023-07-07. Review status: criteria provided, single submitter. Criteria: Invitae Variant Classification Sherloc (09022015). Collection method: clinical testing. Allele origin: germline.
Comment: In summary, the available evidence is currently insufficient to determine the role of this variant in disease. Therefore, it has been classified as a Variant of Uncertain Significance. Advanced modeling of protein sequence and biophysical properties (such as structural, functional, and spatial information, amino acid conservation, physicochemical variation, residue mobility, and thermodynamic stability) performed at Invitae indicates that this missense variant is not expected to disrupt CSGALNACT1 protein function. ClinVar contains an entry for this variant (Variation ID: 1901037). This variant has not been reported in the literature in individuals affected with CSGALNACT1-related conditions. This variant is present in population databases (rs201136162, gnomAD 0.005%). This sequence change replaces arginine, which is basic and polar, with glutamine, which is neutral and polar, at codon 238 of the CSGALNACT1 protein (p.Arg238Gln).

NM_001354483.2(CSGALNACT1):c.713G>A (p.Arg238Gln)

Gene: CSGALNACT1 (chondroitin sulfate N-acetylgalactosaminyltransferase 1; minus strand). Cytogenetic location: 8p21.3.
Variant type: single nucleotide variant.
Coding change: c.713G>A on transcript NM_001354483.2 (MANE Select); coding-DNA position 713, G replaced by A.
Protein change: p.Arg238Gln; replaces arginine 238 with glutamine.
Molecular consequence: missense variant. On other transcripts: non-coding transcript variant (7).
Genome position (GRCh38, 1-based): chr8:19,458,564, C>T on the plus strand (G>A on the coding strand, the complement: CSGALNACT1 is on the minus strand). VCF-style: chr8-19458564-C-T. GRCh37 (hg19) VCF-style: chr8-19316075-C-T.
Other names: c.713G>A, p.Arg238Gln (NM_001130518.2, NM_001354475.2, NM_001354476.2 and 18 more transcripts); c.713G>A (NM_001130518.1); short protein forms R238Q.
Identifiers: ClinVar variation 1901037 (VCV001901037.5), dbSNP rs201136162, ClinGen allele CA4654139.